The following is an entry in ClinVar:

NM_030665.4(RAI1):c.3030C>T (p.Ala1010=)

Gene: RAI1 (retinoic acid induced 1; plus strand). Cytogenetic location: 17p11.2.
Variant type: single nucleotide variant.
Coding change: c.3030C>T on transcript NM_030665.4 (MANE Select); coding-DNA position 3030, C replaced by T.
Protein change: p.Ala1010=; no amino-acid change (alanine 1010 retained).
Molecular consequence: synonymous variant.
Genome position (GRCh38, 1-based): chr17:17,795,978, C>T. VCF-style: chr17-17795978-C-T. GRCh37 (hg19) VCF-style: chr17-17699292-C-T.
Other names: c.3030C>T (NM_030665.3).
Identifiers: ClinVar variation 1660179 (VCV001660179.9), dbSNP rs542714936, ClinGen allele CA288370187.
Genomic context (GRCh38, chr17:17,795,978, plus strand): 5'-GCCTGTGCCACGGGGCAAAAGCTTACGGAGCCGTCGGGTGCACCGGGGGCTGCCCGAGGC[C>T]GAGGACTCCCCATGCAGGGCACCAGTGCTGCCCAAAGACCTCTTGCTCCCTGAATCCTGC-3'
Protein context (NP_109590.3, residues 1000-1020): SRRVHRGLPE[Ala1010=]EDSPCRAPVL

ClinVar aggregate classification (germline): Likely benign. Review status: criteria provided, single submitter (1 of 4 stars). 2 submissions from 2 submitters: Likely benign (1). 1 of the submissions does not count toward it. Last evaluated 2024-07-08.

Conditions:
RAI1-related disorder. Also called: RAI1-related condition.

gnomAD v4.1: 12 of 1,601,092 alleles (0.00075%); highest among the groups gnomAD compares: African/African-American, 0.0013%; no homozygotes.

Submissions (2):

Labcorp Genetics (formerly Invitae), Labcorp
Classification: Likely benign. Last evaluated: 2024-07-08. Review status: criteria provided, single submitter. Criteria: Invitae Variant Classification Sherloc (09022015). Collection method: clinical testing. Allele origin: germline.

PreventionGenetics, part of Exact Sciences
Classification: Likely benign for RAI1-related condition. Last evaluated: 2023-01-05. Review status: no assertion criteria provided. Collection method: clinical testing. Allele origin: germline. Not counted in ClinVar's aggregate classification.
Comment: This variant is classified as likely benign based on ACMG/AMP sequence variant interpretation guidelines (Richards et al. 2015 PMID: 25741868, with internal and published modifications).